The following is an entry in ClinVar:

NM_006231.4(POLE):c.4632G>C (p.Glu1544Asp)

Gene: POLE (DNA polymerase epsilon, catalytic subunit; minus strand). Cytogenetic location: 12q24.33.
Variant type: single nucleotide variant.
Coding change: c.4632G>C on transcript NM_006231.4 (MANE Select); coding-DNA position 4632, G replaced by C.
Protein change: p.Glu1544Asp; replaces glutamic acid 1544 with aspartic acid.
Molecular consequence: missense variant.
Genome position (GRCh38, 1-based): chr12:132,642,916, C>G on the plus strand (G>C on the coding strand, the complement: POLE is on the minus strand). VCF-style: chr12-132642916-C-G. GRCh37 (hg19) VCF-style: chr12-133219502-C-G.
Other names: short protein forms E1544D.
Identifiers: ClinVar variation 4671658 (VCV004671658.1).
Genomic context (GRCh38, chr12:132,642,916, plus strand): 5'-GATGGTCTTCAGGTCAGTTTCTGCCCGAACTTCGAAGGTGTGTTTGGGGGGTGGCAGGAG[C>G]TCAGGGCCCACCTTCTCCAGGAGGAGGCCGTGCTCTGCTGAGTACAGGGCGCCAAGGCTG-3'
Protein context (NP_006222.2, residues 1534-1554): HGLLLEKVGP[Glu1544Asp]LLPPPKHTFE

ClinVar aggregate classification (germline): Uncertain significance (1 of 4 stars; one submission).

Conditions:
Hereditary cancer-predisposing syndrome. Also called: Neoplastic Syndromes, Hereditary; Tumor predisposition; Hereditary Cancer Syndrome; Hereditary neoplastic syndrome. Identifiers: Orphanet 140162, MedGen C0027672, MeSH D009386, MONDO:0015356.

gnomAD v4.1: 1 of 1,613,200 alleles (0.000062%); no homozygotes.

Submission:

Ambry Genetics
Classification: Uncertain significance for Hereditary cancer-predisposing syndrome. Last evaluated: 2025-09-27. Review status: criteria provided, single submitter. Criteria: Ambry Variant Classification Scheme 2023. Collection method: clinical testing. Allele origin: germline.
Comment: The p.E1544D variant (also known as c.4632G>C), located in coding exon 36 of the POLE gene, results from a G to C substitution at nucleotide position 4632. The glutamic acid at codon 1544 is replaced by aspartic acid, an amino acid with highly similar properties. This amino acid position is conserved. In addition, this alteration is predicted to be tolerated by in silico analysis. Based on the available evidence, the clinical significance of this variant remains unclear.